The following is an entry in ClinVar:

NM_005548.3(KARS1):c.434A>G (p.Tyr145Cys)

Gene: KARS1 (lysyl-tRNA synthetase 1; minus strand). Cytogenetic location: 16q23.1.
Variant type: single nucleotide variant.
Coding change: c.434A>G on transcript NM_005548.3 (MANE Select); coding-DNA position 434, A replaced by G.
Protein change: p.Tyr145Cys; replaces tyrosine 145 with cysteine.
Molecular consequence: missense variant. On other transcripts: 5 prime UTR variant (1).
Genome position (GRCh38, 1-based): chr16:75,636,502, T>C on the plus strand (A>G on the coding strand, the complement: KARS1 is on the minus strand). VCF-style: chr16-75636502-T-C. GRCh37 (hg19) VCF-style: chr16-75670400-T-C.
Other names: c.518A>G, p.Tyr173Cys (NM_001130089.2); c.-35A>G (NM_001378148.1); short protein forms Y145C, Y173C.
Identifiers: ClinVar variation 1219581 (VCV001219581.7), dbSNP rs762739500, ClinGen allele CA8177625.
Genomic context (GRCh38, chr16:75,636,502, plus strand): 5'-ATTTCGAGATACCTGGAATTGGCCATGACTTGCAACTTCACCCCCTCTCCTCGAAGATCA[T>C]AGAAGATGAGCTTTCCCCCAGAAGCTCTTTTGGCATGGATCCTACCTAGAAAAAGAAGAG-3'
Protein context (NP_005539.1, residues 135-155): KRASGGKLIF[Tyr145Cys]DLRGEGVKLQ

ClinVar aggregate classification (germline): Conflicting classifications of pathogenicity. Review status: criteria provided, conflicting classifications (1 of 4 stars). 2 submissions from 2 submitters: Likely pathogenic (1); Uncertain significance (1). Last evaluated 2025-05-08.

Allele frequency attached by ClinVar (database versions not stated): ExAC 0.00002; gnomAD 0.00001; gnomAD exomes 0.00001; TOPMed 0.00001.

Submissions (2):

Ambry Genetics
Classification: Likely pathogenic. Last evaluated: 2025-05-08. Review status: criteria provided, single submitter. Criteria: Ambry Variant Classification Scheme 2023. Collection method: clinical testing. Allele origin: germline.
Comment: The c.518A>G (p.Y173C) alteration is located in exon 5 (coding exon 4) of the KARS gene. This alteration results from an A to G substitution at nucleotide position 518, causing the tyrosine (Y) at amino acid position 173 to be replaced by a cysteine (C). Based on data from gnomAD, the G allele has an overall frequency of 0.001% (3/251438) total alleles studied. The highest observed frequency was 0.006% (1/16256) of African alleles. Another variant at the same codon, c.517T>C (p.Y173H ), has been identified in individuals with features consistent with cytoplasmic and mitochondrial lysyl-tRNA synthetase deficiency (Santos-Cortez, 2013). This amino acid position is highly conserved in available vertebrate species. Based on internal structural analysis, this variant is anticipated to result in a significant decrease in structural stability (Ambry internal data). This alteration is predicted to be deleterious by in silico analysis. Based on the available evidence, this alteration is classified as likely pathogenic.

GeneDx
Classification: Uncertain significance. Last evaluated: 2025-04-30. Review status: criteria provided, single submitter. Criteria: GeneDx Variant Classification Process June 2021. Collection method: clinical testing. Allele origin: germline. Affected: yes.
Comment: In silico analysis supports that this missense variant has a deleterious effect on protein structure/function; Has not been previously published as pathogenic or benign to our knowledge; Not observed at significant frequency in large population cohorts (gnomAD)

Literature cited by the submitters: PubMed 23768514 (cited by Ambry Genetics).